The following is an entry in ClinVar:

ClinVar aggregate classification (germline): Uncertain significance. Review status: criteria provided, multiple submitters, no conflicts (2 of 4 stars). 2 submissions from 2 submitters: Uncertain significance (2). Last evaluated 2025-11-22.

Conditions:
BDP1-related disorder. Also called: BDP1-related condition.

Allele frequency attached by ClinVar (database versions not stated): ExAC 0.00001; gnomAD 0.00001; TOPMed 0.00003.
gnomAD v4.1: 57 of 1,607,436 alleles (0.0035%); highest among the groups gnomAD compares: Non-Finnish European, 0.0044%; no homozygotes.

Submissions (2):

PreventionGenetics, part of Exact Sciences
Classification: Uncertain significance for BDP1-related condition. Last evaluated: 2025-11-22. Review status: criteria provided, single submitter. Criteria: ACMG Guidelines, 2015. Collection method: clinical testing. Allele origin: germline.
Comment: The BDP1 c.2429G>A variant is predicted to result in the amino acid substitution p.Arg810Gln. To our knowledge, this variant has not been reported in the literature. This variant is reported in 0.0030% of alleles in individuals of Latino descent in gnomAD. At this time, the clinical significance of this variant is uncertain due to the absence of conclusive functional and genetic evidence.

Ambry Genetics
Classification: Uncertain significance. Last evaluated: 2022-12-21. Review status: criteria provided, single submitter. Criteria: Ambry Variant Classification Scheme 2023. Collection method: clinical testing. Allele origin: germline.

NM_018429.3(BDP1):c.2429G>A (p.Arg810Gln)

Gene: BDP1 (BDP1 general transcription factor IIIB subunit; plus strand). Cytogenetic location: 5q13.2.
Variant type: single nucleotide variant.
Coding change: c.2429G>A on transcript NM_018429.3 (MANE Select); coding-DNA position 2429, G replaced by A.
Protein change: p.Arg810Gln; replaces arginine 810 with glutamine.
Molecular consequence: missense variant.
Genome position (GRCh38, 1-based): chr5:71,509,521, G>A. VCF-style: chr5-71509521-G-A. GRCh37 (hg19) VCF-style: chr5-70805348-G-A.
Other names: short protein forms R810Q.
Identifiers: ClinVar variation 2364244 (VCV002364244.3), dbSNP rs780078490, ClinGen allele CA3296307.
Genomic context (GRCh38, chr5:71,509,521, plus strand): 5'-ATAGCGTTCAAGAGAATAATAAGGCAAATAAACTTAACCAAGTCCCAATTCTAAGGACTC[G>A]ATTTCAGAAACCAAAGCCAAATATAGGAAGAGGAACTGGAAGGAGAGAAATTTCCTCAAA-3'
Protein context (NP_060899.2, residues 800-820): KLNQVPILRT[Arg810Gln]FQKPKPNIGR